The following is an entry in ClinVar:

NM_001142864.4(PIEZO1):c.1311C>G (p.Thr437=)

Genes: HSALR1 (HSP90AB1 associated lncRNA 1; plus strand), PIEZO1 (piezo type mechanosensitive ion channel component 1 (Er blood group); minus strand). Cytogenetic location: 16q24.3.
Variant type: single nucleotide variant.
Coding change: c.1311C>G on transcript NM_001142864.4 (MANE Select); coding-DNA position 1311, C replaced by G.
Protein change: p.Thr437=; no amino-acid change (threonine 437 retained).
Molecular consequence: synonymous variant.
Genome position (GRCh38, 1-based): chr16:88,736,394, G>C on the plus strand (C>G on the coding strand, the complement: PIEZO1 is on the minus strand). VCF-style: chr16-88736394-G-C. GRCh37 (hg19) VCF-style: chr16-88802802-G-C.
Identifiers: ClinVar variation 3352700 (VCV003352700.1).

ClinVar aggregate classification (germline): Likely benign (0 of 4 stars; one submission).

Conditions:
PIEZO1-related disorder. Also called: PIEZO1-related condition; PIEZO1-Related Disorders.

gnomAD v4.1: 4 of 1,548,842 alleles (0.00026%); highest among the groups gnomAD compares: Admixed American, 0.0059%; no homozygotes.

Submission:

PreventionGenetics, part of Exact Sciences
Classification: Likely benign for PIEZO1-related condition. Last evaluated: 2024-03-27. Review status: no assertion criteria provided. Collection method: clinical testing. Allele origin: germline.
Comment: This variant is classified as likely benign based on ACMG/AMP sequence variant interpretation guidelines (Richards et al. 2015 PMID: 25741868, with internal and published modifications).